The following is an entry in ClinVar:

ClinVar aggregate classification (germline): Uncertain significance (1 of 4 stars; one submission).

Conditions:
Long QT syndrome (LQTS). Identifiers: MedGen C0023976, MeSH D008133, MONDO:0002442. Disease mechanism: loss of function. Inheritance: Various modes of inheritance.

gnomAD v4.1: 1 of 1,613,912 alleles (0.000062%); no homozygotes.

Submission:

Labcorp Genetics (formerly Invitae), Labcorp
Classification: Uncertain significance for Long QT syndrome. Last evaluated: 2023-04-16. Review status: criteria provided, single submitter. Criteria: Invitae Variant Classification Sherloc (09022015). Collection method: clinical testing. Allele origin: germline.
Comment: This variant has not been reported in the literature in individuals affected with ANK2-related conditions. This sequence change replaces glutamine, which is neutral and polar, with arginine, which is basic and polar, at codon 3241 of the ANK2 protein (p.Gln3241Arg). This variant is present in population databases (no rsID available, gnomAD no frequency). An algorithm developed to predict the effect of missense changes on protein structure and function (PolyPhen-2) suggests that this variant is likely to be tolerated. In summary, the available evidence is currently insufficient to determine the role of this variant in disease. Therefore, it has been classified as a Variant of Uncertain Significance.

NM_001148.6(ANK2):c.9722A>G (p.Gln3241Arg)

Gene: ANK2 (ankyrin 2; plus strand). Cytogenetic location: 4q26.
Variant type: single nucleotide variant.
Coding change: c.9722A>G on transcript NM_001148.6 (MANE Select); coding-DNA position 9722, A replaced by G.
Protein change: p.Gln3241Arg; replaces glutamine 3241 with arginine.
Molecular consequence: missense variant. On other transcripts: intron variant (68).
Genome position (GRCh38, 1-based): chr4:113,358,340, A>G. VCF-style: chr4-113358340-A-G. GRCh37 (hg19) VCF-style: chr4-114279496-A-G.
Other names: c.9488A>G, p.Gln3163Arg (NM_001386142.1); c.6122A>G, p.Gln2041Arg (NM_001386166.1); c.9863A>G, p.Gln3288Arg (NM_001386174.1); c.9839A>G, p.Gln3280Arg (NM_001386175.1); c.4412-2483A>G (NM_001386186.2, NM_001386148.2); c.4214-2483A>G (NM_001354269.3); c.4292-2483A>G (NM_001386187.2); c.4253-2483A>G (NM_001386147.1); and 35 more; short protein forms Q3241R, Q3280R, Q3288R, Q2041R, Q3163R.
Identifiers: ClinVar variation 2856768 (VCV002856768.3), dbSNP rs1163070067, ClinGen allele CA357938726.
Genomic context (GRCh38, chr4:113,358,340, plus strand): 5'-GGACCAAGGACCTCCCCACCGTGCAAACGGGTGATATACCTCCTCTCTCTGGTGTAAAGC[A>G]GATATCCTGCCCCGACTCTTCTGAACCAGCTGTACAAGTCCAGTTAGATTTTTCCACACT-3'
Protein context (NP_001139.3, residues 3231-3251): GDIPPLSGVK[Gln3241Arg]ISCPDSSEPA